The following is an entry in ClinVar:

NM_001388492.1(HTT):c.7749G>A (p.Leu2583=)

Gene: HTT (huntingtin; plus strand). Cytogenetic location: 4p16.3.
Variant type: single nucleotide variant.
Coding change: c.7749G>A on transcript NM_001388492.1 (MANE Select); coding-DNA position 7749, G replaced by A.
Protein change: p.Leu2583=; no amino-acid change (leucine 2583 retained).
Molecular consequence: synonymous variant.
Genome position (GRCh38, 1-based): chr4:3,224,115, G>A. VCF-style: chr4-3224115-G-A. GRCh37 (hg19) VCF-style: chr4-3225842-G-A.
Other names: c.7755G>A, p.Leu2585= (NM_002111.8).
Identifiers: ClinVar variation 3036577 (VCV003036577.1), dbSNP rs1462079991, ClinGen allele CA438135620.

ClinVar aggregate classification (germline): Likely benign (1 of 4 stars; one submission).

Conditions:
HTT-related disorder. Also called: HTT-related condition.

Allele frequency attached by ClinVar (database versions not stated): gnomAD exomes below 0.00001.
gnomAD v4.1: 1 of 1,614,082 alleles (0.000062%); highest among the groups gnomAD compares: Admixed American, 0.0017%; no homozygotes.

Submission:

PreventionGenetics, part of Exact Sciences
Classification: Likely benign for HTT-related condition. Last evaluated: 2020-01-06. Review status: criteria provided, single submitter. Criteria: ACMG Guidelines, 2015. Collection method: clinical testing. Allele origin: germline.
Comment: This variant is classified as likely benign based on ACMG/AMP sequence variant interpretation guidelines (Richards et al. 2015 PMID: 25741868, with internal and published modifications).